The following is an entry in ClinVar:

ClinVar aggregate classification (germline): Uncertain significance. Review status: criteria provided, single submitter (1 of 4 stars). 2 submissions from 2 submitters: Uncertain significance (1). 1 of the submissions does not count toward it. Last evaluated 2021-08-04.

Conditions:
Autosomal dominant Alport syndrome (ATS3A). Also called: ALPORT SYNDROME 3A, AUTOSOMAL DOMINANT; Alport syndrome dominant type; Renal failure and sensorineural hearing loss. Identifiers: Orphanet 63, Orphanet 88918, MedGen C5882663, MONDO:0007086, OMIM 104200.

Submissions (2):

Labcorp Genetics (formerly Invitae), Labcorp
Classification: Uncertain significance. Last evaluated: 2021-08-04. Review status: criteria provided, single submitter. Criteria: Invitae Variant Classification Sherloc (09022015). Collection method: clinical testing. Allele origin: germline.
Comment: Advanced modeling of protein sequence and biophysical properties (such as structural, functional, and spatial information, amino acid conservation, physicochemical variation, residue mobility, and thermodynamic stability) performed at Invitae indicates that this missense variant is expected to disrupt COL4A3 protein function. This variant has not been reported in the literature in individuals with COL4A3-related conditions. ClinVar contains an entry for this variant (Variation ID: 635510). This variant is not present in population databases (ExAC no frequency). This sequence change replaces glycine with glutamic acid at codon 1210 of the COL4A3 protein (p.Gly1210Glu). The glycine residue is highly conserved and there is a moderate physicochemical difference between glycine and glutamic acid. In summary, the available evidence is currently insufficient to determine the role of this variant in disease. Therefore, it has been classified as a Variant of Uncertain Significance.

Bioscientia Institut fuer Medizinische Diagnostik GmbH, Sonic Healthcare
Classification: Likely pathogenic for Autosomal dominant Alport syndrome. Last evaluated: 2018-11-20. Review status: no assertion criteria provided. Collection method: clinical testing. Allele origin: germline. Affected: yes. Not counted in ClinVar's aggregate classification.

NM_000091.5(COL4A3):c.3629G>A (p.Gly1210Glu)

Genes: COL4A3 (collagen type IV alpha 3 chain; plus strand), MFF-DT (MFF divergent transcript; minus strand). Cytogenetic location: 2q36.3.
Variant type: single nucleotide variant.
Coding change: c.3629G>A on transcript NM_000091.5 (MANE Select); coding-DNA position 3629, G replaced by A.
Protein change: p.Gly1210Glu; replaces glycine 1210 with glutamic acid.
Molecular consequence: missense variant.
Genome position (GRCh38, 1-based): chr2:227,297,737, G>A. VCF-style: chr2-227297737-G-A. GRCh37 (hg19) VCF-style: chr2-228162453-G-A.
Other names: short protein forms G1210E.
Identifiers: ClinVar variation 635510 (VCV000635510.9), dbSNP rs1574823355, ClinGen allele CA350860059.